The following is an entry in ClinVar:

ClinVar aggregate classification (germline): Uncertain significance (1 of 4 stars; one submission).

Allele frequency attached by ClinVar (database versions not stated): gnomAD exomes below 0.00001; gnomAD 0.00001; TOPMed 0.00001.
gnomAD v4.1: 4 of 1,566,108 alleles (0.00026%); highest among the groups gnomAD compares: Non-Finnish European, 0.00035%; no homozygotes.

Submission:

Ambry Genetics
Classification: Uncertain significance. Last evaluated: 2021-06-17. Review status: criteria provided, single submitter. Criteria: Ambry Variant Classification Scheme 2023. Collection method: clinical testing. Allele origin: germline.
Comment: The p.S187N variant (also known as c.560G>A), located in coding exon 6 of the PRKDC gene, results from a G to A substitution at nucleotide position 560. The serine at codon 187 is replaced by asparagine, an amino acid with highly similar properties. This amino acid position is conserved. In addition, this alteration is predicted to be tolerated by in silico analysis. Since supporting evidence is limited at this time, the clinical significance of this alteration remains unclear.

NM_006904.7(PRKDC):c.560G>A (p.Ser187Asn)

Gene: PRKDC (protein kinase, DNA-activated, catalytic subunit; minus strand). Cytogenetic location: 8q11.21.
Variant type: single nucleotide variant.
Coding change: c.560G>A on transcript NM_006904.7 (MANE Select); coding-DNA position 560, G replaced by A.
Protein change: p.Ser187Asn; replaces serine 187 with asparagine.
Molecular consequence: missense variant.
Genome position (GRCh38, 1-based): chr8:47,953,868, C>T on the plus strand (G>A on the coding strand, the complement: PRKDC is on the minus strand). VCF-style: chr8-47953868-C-T. GRCh37 (hg19) VCF-style: chr8-48866428-C-T.
Other names: c.560G>A, p.Ser187Asn (NM_001081640.2); short protein forms S187N.
Identifiers: ClinVar variation 1748623 (VCV001748623.2), dbSNP rs1425750261, ClinGen allele CA371138829.